The following is an entry in ClinVar:

ClinVar aggregate classification (germline): Uncertain significance (1 of 4 stars; one submission).

Submission:

ISCA site 4
Classification: Uncertain significance. Last evaluated: 2011-08-12. Review status: criteria provided, single submitter. Criteria: Kaminsky et al. (Genet Med. 2011). Collection method: clinical testing. Allele origin: unknown. Affected: yes. Observed: 1 variant allele.
Comment: Copy number variation identified through the course of routine clinical cytogenomic testing in postnatal populations. Clinical assertions have been curated as described in Kaminsky et al. 2011.

GRCh38/hg38 14q11.2(chr14:23260803-23763521)x3

Genes: AP1G2 (adaptor related protein complex 1 subunit gamma 2; minus strand), AP1G2-AS1 (AP1G2 antisense RNA 1; plus strand), BCL2L2 (BCL2 like 2; plus strand), BCL2L2-PABPN1 (BCL2L2-PABPN1 readthrough; plus strand), CMTM5 (CKLF like MARVEL transmembrane domain containing 5; plus strand) and 42 more. Cytogenetic location: 14q11.2.
Variant type: copy number gain.
Change: copy number 3 (three copies instead of two) of chr14:23,260,803-23,763,521 (502.7 kb, GRCh38 coordinates, 1-based), cytogenetic band 14q11.2.
Identifiers: ClinVar variation 58306 (VCV000058306.1).